The following is an entry in ClinVar:

NM_002474.3(MYH11):c.5245C>G (p.Gln1749Glu)

Genes: MYH11 (myosin heavy chain 11; minus strand), NDE1 (nudE neurodevelopment protein 1; plus strand). Cytogenetic location: 16p13.11.
Variant type: single nucleotide variant.
Coding change: c.5245C>G on transcript NM_002474.3 (MANE Select); coding-DNA position 5245, C replaced by G.
Protein change: p.Gln1749Glu; replaces glutamine 1749 with glutamic acid.
Molecular consequence: missense variant. On other transcripts: intron variant (2).
Genome position (GRCh38, 1-based): chr16:15,718,365, G>C on the plus strand (C>G on the coding strand, the complement: MYH11 is on the minus strand). VCF-style: chr16-15718365-G-C. GRCh37 (hg19) VCF-style: chr16-15812222-G-C.
Other names: c.5266C>G (NM_001040113.1); c.5266C>G, p.Gln1756Glu (NM_001040113.2, NM_001040114.2); c.5245C>G, p.Gln1749Glu (NM_022844.3); c.948-5826G>C (NM_001143979.2, NM_017668.3); short protein forms Q1749E, Q1756E.
Identifiers: ClinVar variation 3071258 (VCV003071258.3), dbSNP rs567806167, ClinGen allele CA394850094.

ClinVar aggregate classification (germline): Uncertain significance. Review status: criteria provided, multiple submitters, no conflicts (2 of 4 stars). 3 submissions from 3 submitters: Uncertain significance (2). 1 of the submissions does not count toward it. Last evaluated 2025-10-14.

Conditions:
Aortic aneurysm, familial thoracic 4 (AAT4). Also called: AORTIC ANEURYSM/AORTIC DISSECTION AND PATENT DUCTUS ARTERIOSUS. Identifiers: MedGen C1851504, MONDO:0007568, OMIM 132900.
MYH11-related disorder. Also called: MYH11-related condition.
Familial thoracic aortic aneurysm and aortic dissection (TAAD). Also called: Thoracic aortic aneurysms and dissections. Identifiers: Orphanet 91387, MedGen C4707243, MONDO:0019625.

Allele frequency attached by ClinVar (database versions not stated): TOPMed below 0.00001.
gnomAD v4.1: 2 of 1,607,810 alleles (0.00012%); highest among the groups gnomAD compares: Non-Finnish European, 0.00017%; no homozygotes.

Submissions (3):

Labcorp Genetics (formerly Invitae), Labcorp
Classification: Uncertain significance for Aortic aneurysm, familial thoracic 4. Last evaluated: 2025-10-14. Review status: criteria provided, single submitter. Criteria: Invitae Variant Classification Sherloc (09022015). Collection method: clinical testing. Allele origin: germline.
Comment: This sequence change replaces glutamine, which is neutral and polar, with glutamic acid, which is acidic and polar, at codon 1756 of the MYH11 protein (p.Gln1756Glu). This variant is not present in population databases (gnomAD no frequency). This missense change has been observed in individual(s) with autosomal dominant MYH11-related conditions (internal data). ClinVar contains an entry for this variant (Variation ID: 3071258). Invitae Evidence Modeling of protein sequence and biophysical properties (such as structural, functional, and spatial information, amino acid conservation, physicochemical variation, residue mobility, and thermodynamic stability) indicates that this missense variant is not expected to disrupt MYH11 protein function with a negative predictive value of 95%. In summary, the available evidence is currently insufficient to determine the role of this variant in disease. Therefore, it has been classified as a Variant of Uncertain Significance.

All of Us Research Program, National Institutes of Health
Classification: Uncertain significance for Familial thoracic aortic aneurysm and aortic dissection. Last evaluated: 2023-09-17. Review status: criteria provided, single submitter. Criteria: ACMG Guidelines, 2015. Collection method: clinical testing. Allele origin: germline. Inheritance: Autosomal dominant inheritance. Observed: 2 variant alleles, 2 heterozygotes.
Comment: This missense variant replaces glutamine with glutamic acid at codon 1756 of the MYH11 protein. Computational prediction is inconclusive regarding the impact of this variant on protein structure and function (internally defined REVEL score threshold 0.5 < inconclusive < 0.7, PMID: 27666373). To our knowledge, functional studies have not been reported for this variant. This variant has not been reported in individuals affected with MYH11-related disorders in the literature. This variant has not been identified in the general population by the Genome Aggregation Database (gnomAD). The available evidence is insufficient to determine the role of this variant in disease conclusively. Therefore, this variant is classified as a Variant of Uncertain Significance.

This study involves interpretation of variants in research participants for the purpose of population health screening. Participant phenotype was not available at the time of variant classification. Additional details can be found in publication PMID: 35346344, PMCID: PMC8962531

PreventionGenetics, part of Exact Sciences
Classification: Uncertain significance for MYH11-related condition. Last evaluated: 2024-09-23. Review status: no assertion criteria provided. Collection method: clinical testing. Allele origin: germline. Not counted in ClinVar's aggregate classification.
Comment: The MYH11 c.5266C>G variant is predicted to result in the amino acid substitution p.Gln1756Glu. To our knowledge, this variant has not been reported in the literature or in a large population database, indicating this variant is rare. At this time, the clinical significance of this variant is uncertain due to the absence of conclusive functional and genetic evidence.